The following is an entry in ClinVar:

NM_024757.5(EHMT1):c.674G>A (p.Arg225Gln)

Gene: EHMT1 (euchromatic histone lysine methyltransferase 1; plus strand). Cytogenetic location: 9q34.3.
Variant type: single nucleotide variant.
Coding change: c.674G>A on transcript NM_024757.5 (MANE Select); coding-DNA position 674, G replaced by A.
Protein change: p.Arg225Gln; replaces arginine 225 with glutamine.
Molecular consequence: missense variant.
Genome position (GRCh38, 1-based): chr9:137,728,380, G>A. VCF-style: chr9-137728380-G-A. GRCh37 (hg19) VCF-style: chr9-140622832-G-A.
Other names: c.674G>A, p.Arg225Gln (NM_001145527.2, NM_001354263.2, NM_001354611.2); c.581G>A, p.Arg194Gln (NM_001354259.2, NM_001354612.2); short protein forms R194Q, R225Q.
Identifiers: ClinVar variation 657172 (VCV000657172.12), dbSNP rs1294543188, ClinGen allele CA375771727.

ClinVar aggregate classification (germline): Uncertain significance. Review status: criteria provided, multiple submitters, no conflicts (2 of 4 stars). 2 submissions from 2 submitters: Uncertain significance (2). Last evaluated 2024-02-17.

Conditions:
Kleefstra syndrome 1 (KLEFS1). Identifiers: Orphanet 261494, MedGen C0795833, MONDO:0027407, OMIM 610253.

Allele frequency attached by ClinVar (database versions not stated): TOPMed 0.00003; gnomAD exomes 0.00001; gnomAD 0.00004 and 0.00003.
gnomAD v4.1: 18 of 1,614,080 alleles (0.0011%); highest among the groups gnomAD compares: African/African-American, 0.008%; no homozygotes.

Submissions (2):

Labcorp Genetics (formerly Invitae), Labcorp
Classification: Uncertain significance for Kleefstra syndrome 1. Last evaluated: 2024-02-17. Review status: criteria provided, single submitter. Criteria: Invitae Variant Classification Sherloc (09022015). Collection method: clinical testing. Allele origin: germline.
Comment: This sequence change replaces arginine, which is basic and polar, with glutamine, which is neutral and polar, at codon 225 of the EHMT1 protein (p.Arg225Gln). This variant is not present in population databases (gnomAD no frequency). This variant has not been reported in the literature in individuals affected with EHMT1-related conditions. ClinVar contains an entry for this variant (Variation ID: 657172). Advanced modeling of protein sequence and biophysical properties (such as structural, functional, and spatial information, amino acid conservation, physicochemical variation, residue mobility, and thermodynamic stability) performed at Invitae indicates that this missense variant is not expected to disrupt EHMT1 protein function with a negative predictive value of 80%. In summary, the available evidence is currently insufficient to determine the role of this variant in disease. Therefore, it has been classified as a Variant of Uncertain Significance.

Greenwood Genetic Center Diagnostic Laboratories, Greenwood Genetic Center
Classification: Uncertain significance. Last evaluated: 2021-05-06. Review status: criteria provided, single submitter. Criteria: ACMG Guidelines, 2015. Collection method: clinical testing. Allele origin: germline. Affected: yes.
Comment: BP4, PM2